The following is an entry in ClinVar:

ClinVar aggregate classification (germline): Pathogenic (1 of 4 stars; one submission).

Conditions:
Severe intellectual disability-poor language-strabismus-grimacing face-long fingers syndrome (GAND). Also called: GAND SYNDROME. Identifiers: Orphanet 363686, MedGen C3554448, MONDO:0014034, OMIM 615074.

Submission:

Greenwood Genetic Center Diagnostic Laboratories, Greenwood Genetic Center
Classification: Pathogenic for Severe intellectual disability-poor language-strabismus-grimacing face-long fingers syndrome. Last evaluated: 2023-08-21. Review status: criteria provided, single submitter. Criteria: ACMG Guidelines, 2015. Collection method: clinical testing. Allele origin: germline. Affected: yes.
Comment: PVS1_Strong, PS2, PM2

NM_020699.4(GATAD2B):c.466-1G>C

Gene: GATAD2B (GATA zinc finger domain containing 2B; minus strand). Cytogenetic location: 1q21.3.
Variant type: single nucleotide variant.
Coding change: c.466-1G>C on transcript NM_020699.4 (MANE Select); the canonical splice acceptor site of the intron before coding-DNA position 466, G replaced by C.
Molecular consequence: splice acceptor variant.
Genome position (GRCh38, 1-based): chr1:153,818,923, C>G on the plus strand (G>C on the coding strand, the complement: GATAD2B is on the minus strand). VCF-style: chr1-153818923-C-G. GRCh37 (hg19) VCF-style: chr1-153791399-C-G.
Identifiers: ClinVar variation 2626894 (VCV002626894.1), dbSNP rs974287422, ClinGen allele CA342533348.
Genomic context (GRCh38, chr1:153,818,923, plus strand): 5'-CAATCGTAGCTCATCCCTCAGCTGCTTGATAAGCTGCTGCCGCTCCTCAATGCCTTTCCC[C>G]TAAGGAAACAAGAAGACTTTCAGCTATGGCAGCAAGGTACCCAGAATTCCTTCCTGCAAG-3'